The following is an entry in ClinVar:

NM_001040716.2(PC):c.281_282insCCTT (p.Gln94fs)

Gene: PC (pyruvate carboxylase; minus strand). Cytogenetic location: 11q13.2.
Variant type: Insertion.
Coding change: c.281_282insCCTT on transcript NM_001040716.2 (MANE Select); coding-DNA positions 281 to 282, CCTT inserted.
Protein change: p.Gln94fs; shifts the reading frame from glutamine 94.
Molecular consequence: frameshift variant.
Genome position: GRCh38 VCF-style: chr11-66871726-C-CAAGG. GRCh37 (hg19) VCF-style: chr11-66639197-C-CAAGG.
Other names: c.281_282insCCTT, p.Gln94fs (NM_000920.4, NM_022172.3); short protein forms Q94fs.
Identifiers: ClinVar variation 1726269 (VCV001726269.2), dbSNP rs2495797373, ClinGen allele CA2580084598.

ClinVar aggregate classification (germline): Likely pathogenic (1 of 4 stars; one submission).

Conditions:
Pyruvate carboxylase deficiency. Also called: ATAXIA WITH LACTIC ACIDOSIS II; LEIGH NECROTIZING ENCEPHALOPATHY DUE TO PYRUVATE CARBOXYLASE DEFICIENCY; LEIGH SYNDROME DUE TO PYRUVATE CARBOXYLASE DEFICIENCY; PC DEFICIENCY; Pyruvate Carboxylase Deficiency Disease. Identifiers: Orphanet 3008, MedGen C0034341, MONDO:0009949, OMIM 266150.

Submission:

Myriad Genetics, Inc.
Classification: Likely pathogenic for Pyruvate carboxylase deficiency. Last evaluated: 2021-12-10. Review status: criteria provided, single submitter. Criteria: Myriad Women's Health Autosomal Recessive and X-Linked Classification Criteria (2021). Collection method: clinical testing. Allele origin: unknown.
Comment: NM_000920.3(PC):c.281_282insCCTT(Q94Hfs*31) is expected to be pathogenic in the context of pyruvate carboxylase deficiency. This variant is predicted to lead to an abnormal or absent protein product due to the creation of a premature termination codon in PC, a gene where loss-of-function variants are known to be pathogenic. Please note: this variant was assessed in the context of healthy population screening.